The following is an entry in ClinVar:

NM_000059.4(BRCA2):c.7033C>T (p.Gln2345Ter)

Gene: BRCA2 (BRCA2 DNA repair associated; plus strand). Cytogenetic location: 13q13.1.
Variant type: single nucleotide variant.
Coding change: c.7033C>T on transcript NM_000059.4 (MANE Select); coding-DNA position 7033, C replaced by T.
Protein change: p.Gln2345Ter; replaces glutamine 2345 with a stop codon.
Molecular consequence: nonsense.
Genome position (GRCh38, 1-based): chr13:32,354,886, C>T. VCF-style: chr13-32354886-C-T. GRCh37 (hg19) VCF-style: chr13-32929023-C-T.
Other names: 7261C>T (Q2345X); short protein forms Q2345*.
Identifiers: ClinVar variation 266983 (VCV000266983.29), dbSNP rs886040685, ClinGen allele CA10589410.

ClinVar aggregate classification (germline): Pathogenic. Review status: reviewed by expert panel (3 of 4 stars). 6 submissions from 6 submitters: Pathogenic (1). 5 of the submissions do not count toward it. Last evaluated 2016-10-18.

Conditions:
Breast-ovarian cancer, familial, susceptibility to, 2 (BROVCA2). Also called: BRCA2 Hereditary Breast and Ovarian Cancer. Identifiers: Orphanet 145, MedGen C2675520, MONDO:0012933, OMIM 612555. Disease mechanism: loss of function.
Hereditary breast ovarian cancer syndrome. Also called: BRCA1- and BRCA2-Associated Hereditary Breast and Ovarian Cancer; Hereditary breast and ovarian cancer; Breast and ovarian cancer; Hereditary breast and/or ovarian cancer syndrome; Hereditary breast and ovarian cancer syndrome; Hereditary breast and ovarian cancer syndrome (HBOC). Identifiers: Orphanet 145, MedGen C0677776, MeSH D061325, MONDO:0003582. Disease mechanism: loss of function.
Hereditary cancer-predisposing syndrome. Also called: Hereditary neoplastic syndrome; Neoplastic Syndromes, Hereditary; Tumor predisposition; Hereditary Cancer Syndrome. Identifiers: Orphanet 140162, MedGen C0027672, MeSH D009386, MONDO:0015356.

Submissions (6):

Evidence-based Network for the Interpretation of Germline Mutant Alleles (ENIGMA)
Classification: Pathogenic for Breast-ovarian cancer, familial, susceptibility to, 2. Last evaluated: 2016-10-18. Review status: reviewed by expert panel. Criteria: ENIGMA BRCA1/2 Classification Criteria (2015). Collection method: curation. Allele origin: germline.
Comment: Variant allele predicted to encode a truncated non-functional protein.

Ambry Genetics
Classification: Pathogenic for Hereditary cancer-predisposing syndrome. Last evaluated: 2025-09-22. Review status: criteria provided, single submitter. Criteria: Ambry Variant Classification Scheme 2023. Collection method: clinical testing. Allele origin: germline. Not counted in ClinVar's aggregate classification.
Comment: The p.Q2345* pathogenic mutation (also known as c.7033C>T), located in coding exon 13 of the BRCA2 gene, results from a C to T substitution at nucleotide position 7033. This changes the amino acid from a glutamine to a stop codon within coding exon 13. This variant is considered to be rare based on population cohorts in the Genome Aggregation Database (gnomAD). This alteration is expected to result in loss of function by premature protein truncation or nonsense-mediated mRNA decay. As such, this alteration is interpreted as a disease-causing mutation.

Labcorp Genetics (formerly Invitae), Labcorp
Classification: Pathogenic for Hereditary breast ovarian cancer syndrome. Last evaluated: 2024-09-01. Review status: criteria provided, single submitter. Criteria: Invitae Variant Classification Sherloc (09022015). Collection method: clinical testing. Allele origin: germline. Not counted in ClinVar's aggregate classification.
Comment: This sequence change creates a premature translational stop signal (p.Gln2345*) in the BRCA2 gene. It is expected to result in an absent or disrupted protein product. Loss-of-function variants in BRCA2 are known to be pathogenic (PMID: 20104584). This variant is not present in population databases (gnomAD no frequency). This premature translational stop signal has been observed in individual(s) with personal or family history of breast and/or ovarian cancer (PMID: 29446198). ClinVar contains an entry for this variant (Variation ID: 266983). For these reasons, this variant has been classified as Pathogenic.

Laboratory for Molecular Medicine, Mass General Brigham Personalized Medicine
Classification: Likely pathogenic for Hereditary breast ovarian cancer syndrome. Last evaluated: 2020-06-19. Review status: criteria provided, single submitter. Criteria: ACMG Guidelines, 2015. Collection method: clinical testing. Allele origin: germline. Not counted in ClinVar's aggregate classification.
Comment: The p.Gln2345X variant in BRCA2 has been identified in the literature in 1 individual with BRCA2-related cancer (Rebbeck 2018 PubMed: 29446198) and was absent from large population studies. This nonsense variant leads to a premature termination codon at position 2345, which is predicted to lead to a truncated or absent protein. Loss of function of the BRCA2 gene is an established disease mechanism in autosomal dominant HBOC. In addition, this variant was classified as pathogenic on October 18, 2016 by the ClinGen-approved ENIGMA expert panel (ClinVar SCV000324511.1). In summary, although additional studies are required to fully establish its clinical significance, this variant meets criteria to be classified as likely pathogenic for autosomal dominant hereditary breast and ovarian cancer. ACMG/AMP codes applied: PVS1, PM2.

Consortium of Investigators of Modifiers of BRCA1/2 (CIMBA), c/o University of Cambridge
Classification: Pathogenic for Breast-ovarian cancer, familial, susceptibility to, 2. Last evaluated: 2015-10-02. Review status: criteria provided, single submitter. Criteria: CIMBA Mutation Classification guidelines May 2016. Collection method: clinical testing. Allele origin: germline. Not counted in ClinVar's aggregate classification.

deCODE genetics, Amgen
Classification: Likely pathogenic for Breast-ovarian cancer, familial, susceptibility to, 2. Last evaluated: 2023-07-21. Review status: no assertion criteria provided. Collection method: research. Allele origin: germline. Affected: yes. Observed: 1 variant allele. Not counted in ClinVar's aggregate classification.
Comment: The variant NM_000059.4:c.7033C>T (chr13:32354886) in BRCA2 was detected in 1 heterozygote out of 58K WGS Icelanders (MAF= 0,001%). This variant has been reported in ClinVar previously as pathogenic. Based on ACMG criteria (PVS1, PM2) this variant classifies as likely pathogenic.

Literature cited by the submitters: PubMed 20104584 (cited by Labcorp Genetics (formerly Invitae), Labcorp); PubMed 29446198 (cited by Labcorp Genetics (formerly Invitae), Labcorp).